The following is an entry in ClinVar:

NM_000548.5(TSC2):c.3393G>A (p.Met1131Ile)

Gene: TSC2 (TSC complex subunit 2; plus strand). Cytogenetic location: 16p13.3.
Variant type: single nucleotide variant.
Coding change: c.3393G>A on transcript NM_000548.5 (MANE Select); coding-DNA position 3393, G replaced by A.
Protein change: p.Met1131Ile; replaces methionine 1131 with isoleucine.
Molecular consequence: missense variant. On other transcripts: non-coding transcript variant (5).
Genome position (GRCh38, 1-based): chr16:2,079,665, G>A. VCF-style: chr16-2079665-G-A. GRCh37 (hg19) VCF-style: chr16-2129666-G-A.
Other names: c.3261G>A, p.Met1087Ile (NM_001077183.3, NM_001370404.1, NM_001406665.1); c.3393G>A, p.Met1131Ile (NM_001114382.3); c.3153G>A, p.Met1051Ile (NM_001318827.2); c.3117G>A, p.Met1039Ile (NM_001318829.2); c.2661G>A, p.Met887Ile (NM_001318831.2, NM_001406687.1, NM_001406688.1); c.3294G>A, p.Met1098Ile (NM_001318832.2); c.3264G>A, p.Met1088Ile (NM_001363528.2, NM_001370405.1, NM_021055.3); c.3390G>A, p.Met1130Ile (NM_001406663.1, NM_001406664.1); and 18 more; short protein forms M1038I, M1039I, M1068I, M1083I, M1094I, M1130I, M640I, M887I.
Identifiers: ClinVar variation 2497441 (VCV002497441.4), dbSNP rs1297504532, ClinGen allele CA394286812.
Genomic context (GRCh38, chr16:2,079,665, plus strand): 5'-GCTGGAGTCCCAGGCTGGGCAGCAGGTGTCCCGTGGGGCCCGGGATCGGGTCCGTTCCAT[G>A]TCGGGTGAGCCTTGGCCCCAGCCACCTCCACACAGGCACCGGGGCTCCCTCAGTTGCTGC-3'
Protein context (NP_000539.2, residues 1121-1141): SRGARDRVRS[Met1131Ile]SGGHGLRVGA

ClinVar aggregate classification (germline): Conflicting classifications of pathogenicity. Review status: criteria provided, conflicting classifications (1 of 4 stars). 2 submissions from 2 submitters: Uncertain significance (1); Benign (1). Last evaluated 2025-11-21.

Conditions:
Hereditary cancer-predisposing syndrome. Also called: Tumor predisposition; Hereditary neoplastic syndrome; Neoplastic Syndromes, Hereditary; Hereditary Cancer Syndrome. Identifiers: Orphanet 140162, MedGen C0027672, MeSH D009386, MONDO:0015356.
Tuberous sclerosis 2 (TSC2). Identifiers: Orphanet 805, MedGen C1860707, MONDO:0013199, OMIM 613254.

Allele frequency attached by ClinVar (database versions not stated): gnomAD exomes below 0.00001; TOPMed below 0.00001.

Submissions (2):

Labcorp Genetics (formerly Invitae), Labcorp
Classification: Benign for Tuberous sclerosis 2. Last evaluated: 2025-11-21. Review status: criteria provided, single submitter. Criteria: Invitae Variant Classification Sherloc (09022015). Collection method: clinical testing. Allele origin: germline.

Ambry Genetics
Classification: Uncertain significance for Hereditary cancer-predisposing syndrome. Last evaluated: 2025-09-26. Review status: criteria provided, single submitter. Criteria: Ambry Variant Classification Scheme 2023. Collection method: clinical testing. Allele origin: germline.
Comment: The p.M1131I variant (also known as c.3393G>A), located in coding exon 28 of the TSC2 gene, results from a G to A substitution at nucleotide position 3393. The methionine at codon 1131 is replaced by isoleucine, an amino acid with highly similar properties. This amino acid position is conserved. In addition, the in silico prediction for this alteration is inconclusive. Since supporting evidence is limited at this time, the clinical significance of this alteration remains unclear.